The following is an entry in ClinVar:

NM_001009944.3(PKD1):c.12237C>T (p.Ser4079=)

Gene: PKD1 (polycystin 1, transient receptor potential channel interacting; minus strand). Cytogenetic location: 16p13.3.
Variant type: single nucleotide variant.
Coding change: c.12237C>T on transcript NM_001009944.3 (MANE Select); coding-DNA position 12237, C replaced by T.
Protein change: p.Ser4079=; no amino-acid change (serine 4079 retained).
Molecular consequence: synonymous variant.
Genome position (GRCh38, 1-based): chr16:2,090,492, G>A on the plus strand (C>T on the coding strand, the complement: PKD1 is on the minus strand). VCF-style: chr16-2090492-G-A. GRCh37 (hg19) VCF-style: chr16-2140493-G-A.
Other names: c.12234C>T, p.Ser4078= (NM_000296.4); c.12237C>T (NM_001009944.2).
Identifiers: ClinVar variation 618294 (VCV000618294.10), dbSNP rs372534935, ClinGen allele CA7828711.

ClinVar aggregate classification (germline): Likely benign. Review status: criteria provided, single submitter (1 of 4 stars). 2 submissions from 2 submitters: Likely benign (1). 1 of the submissions does not count toward it. Last evaluated 2017-05-24.

Conditions:
PKD1-related disorder. Also called: PKD1-related condition.

Allele frequency attached by ClinVar (database versions not stated): ESP Exome Variant Server 0.00008; TOPMed 0.00019.
gnomAD v4.1: 44 of 1,611,592 alleles (0.0027%); highest among the groups gnomAD compares: Admixed American, 0.037%; no homozygotes.

Submissions (2):

ARUP Laboratories, Molecular Genetics and Genomics, ARUP Laboratories
Classification: Likely benign. Last evaluated: 2017-05-24. Review status: criteria provided, single submitter. Criteria: ARUP Molecular Germline Variant Investigation Process. Collection method: clinical testing. Allele origin: germline.

PreventionGenetics, part of Exact Sciences
Classification: Likely benign for PKD1-related condition. Last evaluated: 2019-04-18. Review status: no assertion criteria provided. Collection method: clinical testing. Allele origin: germline. Not counted in ClinVar's aggregate classification.
Comment: This variant is classified as likely benign based on ACMG/AMP sequence variant interpretation guidelines (Richards et al. 2015 PMID: 25741868, with internal and published modifications).